The following is an entry in ClinVar:

ClinVar aggregate classification (germline): Uncertain significance. Review status: criteria provided, multiple submitters, no conflicts (2 of 4 stars). 2 submissions from 2 submitters: Uncertain significance (2). Last evaluated 2025-07-29.

Conditions:
Congenital contractural arachnodactyly (CCA). Also called: BEALS SYNDROME; Beals-Hecht syndrome; Arthrogryposis, distal, type 9. Identifiers: Orphanet 115, MedGen C0220668, MONDO:0007363, OMIM 121050.

gnomAD v4.1: 8 of 1,613,814 alleles (0.0005%); highest among the groups gnomAD compares: Non-Finnish European, 0.00051%; no homozygotes.

Submissions (2):

Labcorp Genetics (formerly Invitae), Labcorp
Classification: Uncertain significance for Congenital contractural arachnodactyly. Last evaluated: 2025-07-29. Review status: criteria provided, single submitter. Criteria: Invitae Variant Classification Sherloc (09022015). Collection method: clinical testing. Allele origin: germline.
Comment: This sequence change replaces aspartic acid, which is acidic and polar, with glutamic acid, which is acidic and polar, at codon 1117 of the FBN2 protein (p.Asp1117Glu). This variant is not present in population databases (gnomAD no frequency). This variant has not been reported in the literature in individuals affected with FBN2-related conditions. ClinVar contains an entry for this variant (Variation ID: 2655683). Invitae Evidence Modeling of protein sequence and biophysical properties (such as structural, functional, and spatial information, amino acid conservation, physicochemical variation, residue mobility, and thermodynamic stability) indicates that this missense variant is not expected to disrupt FBN2 protein function with a negative predictive value of 80%. In summary, the available evidence is currently insufficient to determine the role of this variant in disease. Therefore, it has been classified as a Variant of Uncertain Significance.

CeGaT Center for Human Genetics Tuebingen
Classification: Uncertain significance. Last evaluated: 2023-07-01. Review status: criteria provided, single submitter. Criteria: CeGaT Center For Human Genetics Tuebingen Variant Classification Criteria Version 2. Collection method: clinical testing. Allele origin: germline. Affected: yes. Observed: 1 variant allele.
Comment: FBN2: PM2

NM_001999.4(FBN2):c.3351C>G (p.Asp1117Glu)

Gene: FBN2 (fibrillin 2; minus strand). Cytogenetic location: 5q23.3.
Variant type: single nucleotide variant.
Coding change: c.3351C>G on transcript NM_001999.4 (MANE Select); coding-DNA position 3351, C replaced by G.
Protein change: p.Asp1117Glu; replaces aspartic acid 1117 with glutamic acid.
Molecular consequence: missense variant.
Genome position (GRCh38, 1-based): chr5:128,339,054, G>C on the plus strand (C>G on the coding strand, the complement: FBN2 is on the minus strand). VCF-style: chr5-128339054-G-C. GRCh37 (hg19) VCF-style: chr5-127674746-G-C.
Other names: short protein forms D1117E.
Identifiers: ClinVar variation 2655683 (VCV002655683.27), dbSNP rs78484531, ClinGen allele CA360760083.
Genomic context (GRCh38, chr5:128,339,054, plus strand): 5'-GCTGCCCGGTGTATTGACGCAGATTCCACTGCCACAGAGGTCAGGAGAAATCCTGCACTC[G>C]TCGATGTCTAATTCACAGGGTTTAAAAGAAATTTAAAAATTGAATGAGATAGACTTGGCC-3'
Protein context (NP_001990.2, residues 1107-1127): DMEERNCTDI[Asp1117Glu]ECRISPDLCG